The following is an entry in ClinVar:

NM_000051.4(ATM):c.1066-1G>A

Gene: ATM (ATM serine/threonine kinase; plus strand). Cytogenetic location: 11q22.3.
Variant type: single nucleotide variant.
Coding change: c.1066-1G>A on transcript NM_000051.4 (MANE Select); the canonical splice acceptor site of the intron before coding-DNA position 1066, G replaced by A.
Molecular consequence: splice acceptor variant.
Genome position (GRCh38, 1-based): chr11:108,248,932, G>A. VCF-style: chr11-108248932-G-A. GRCh37 (hg19) VCF-style: chr11-108119659-G-A.
Other names: c.1066-1G>A (NM_001351834.2).
Identifiers: ClinVar variation 232870 (VCV000232870.11), dbSNP rs876660038, ClinGen allele CA10578992.
Genomic context (GRCh38, chr11:108,248,932, plus strand): 5'-CAGCGAAACTCTGGCTCAAAAAAAAAAAAAAGAAAAAAGTGGATTTATTTTTATTTTACA[G>A]GTTTTTAATGAAGATACCAGATCCTTGGAGATTTCTCAATCTTACACTACTACACAAAGA-3'

ClinVar aggregate classification (germline): Likely pathogenic. Review status: criteria provided, multiple submitters, no conflicts (2 of 4 stars). 3 submissions from 3 submitters: Likely pathogenic (3). Last evaluated 2026-06-29.

Conditions:
Hereditary cancer-predisposing syndrome. Also called: Tumor predisposition; Neoplastic Syndromes, Hereditary; Hereditary Cancer Syndrome; Hereditary neoplastic syndrome. Identifiers: Orphanet 140162, MedGen C0027672, MeSH D009386, MONDO:0015356.
Familial cancer of breast. Also called: hereditary breast carcinoma; BREAST CANCER, FAMILIAL; Hereditary breast cancer. Identifiers: Orphanet 227535, MedGen C0346153, MONDO:0016419, OMIM 114480. Disease mechanism: loss of function.
Ataxia-telangiectasia syndrome (AT). Also called: ATAXIA-TELANGIECTASIA, COMPLEMENTATION GROUP A; ATAXIA-TELANGIECTASIA, FRESNO VARIANT; Ataxia-telangiectasia; LOUIS-BAR SYNDROME; Ataxia-telangiectasia, complementation group D; AT, COMPLEMENTATION GROUP C. Identifiers: Orphanet 100, MedGen C0004135, MONDO:0008840, OMIM 208900.

Submissions (3):

Ambry Genetics
Classification: Likely pathogenic for Hereditary cancer-predisposing syndrome. Last evaluated: 2026-06-29. Review status: criteria provided, single submitter. Criteria: Ambry Variant Classification Scheme 2023. Collection method: clinical testing. Allele origin: germline.
Comment: The c.1066-1G>A intronic variant results from a G to A substitution one nucleotide upstream from coding exon 8 of the ATM gene. This variant is considered to be rare based on population cohorts in the Genome Aggregation Database (gnomAD). This nucleotide position is highly conserved in available vertebrate species. In silico splice site analysis predicts that this alteration will weaken the native splice acceptor site. Alterations that disrupt the canonical splice site are expected to cause aberrant splicing, resulting in an abnormal protein or a transcript that is subject to nonsense-mediated mRNA decay. As such, this alteration is classified as likely pathogenic.

Myriad Genetics, Inc.
Classification: Likely pathogenic for Familial cancer of breast. Last evaluated: 2024-01-12. Review status: criteria provided, single submitter. Criteria: Myriad Autosomal Dominant, Autosomal Recessive and X-Linked Classification Criteria (2023). Collection method: clinical testing. Allele origin: unknown.
Comment: This variant is considered likely pathogenic. This variant occurs within a consensus splice junction and is predicted to result in abnormal mRNA splicing of either an out-of-frame exon or an in-frame exon necessary for protein stability and/or normal function.

Labcorp Genetics (formerly Invitae), Labcorp
Classification: Likely pathogenic for Ataxia-telangiectasia syndrome. Last evaluated: 2022-04-02. Review status: criteria provided, single submitter. Criteria: Invitae Variant Classification Sherloc (09022015). Collection method: clinical testing. Allele origin: germline.
Comment: In summary, the currently available evidence indicates that the variant is pathogenic, but additional data are needed to prove that conclusively. Therefore, this variant has been classified as Likely Pathogenic. Algorithms developed to predict the effect of sequence changes on RNA splicing suggest that this variant may disrupt the consensus splice site. ClinVar contains an entry for this variant (Variation ID: 232870). This variant has not been reported in the literature in individuals affected with ATM-related conditions. This variant is not present in population databases (gnomAD no frequency). This sequence change affects an acceptor splice site in intron 8 of the ATM gene. It is expected to disrupt RNA splicing. Variants that disrupt the donor or acceptor splice site typically lead to a loss of protein function (PMID: 16199547), and loss-of-function variants in ATM are known to be pathogenic (PMID: 23807571, 25614872).

Literature cited by the submitters: PubMed 16199547 (cited by Labcorp Genetics (formerly Invitae), Labcorp); PubMed 23807571 (cited by Labcorp Genetics (formerly Invitae), Labcorp); PubMed 25614872 (cited by Labcorp Genetics (formerly Invitae), Labcorp).